The following is an entry in ClinVar:

NM_002691.4(POLD1):c.2577C>T (p.Gly859=)

Gene: POLD1 (DNA polymerase delta 1, catalytic subunit; plus strand). Cytogenetic location: 19q13.33.
Variant type: single nucleotide variant.
Coding change: c.2577C>T on transcript NM_002691.4 (MANE Select); coding-DNA position 2577, C replaced by T.
Protein change: p.Gly859=; no amino-acid change (glycine 859 retained).
Molecular consequence: synonymous variant. On other transcripts: non-coding transcript variant (1).
Genome position (GRCh38, 1-based): chr19:50,415,450, C>T. VCF-style: chr19-50415450-C-T. GRCh37 (hg19) VCF-style: chr19-50918707-C-T.
Other names: c.2577C>T, p.Gly859= (NM_001256849.1); c.2655C>T, p.Gly885= (NM_001308632.1).
Identifiers: ClinVar variation 239303 (VCV000239303.36), dbSNP rs149366027, ClinGen allele CA9596591.

ClinVar aggregate classification (germline): Benign/Likely benign. Review status: criteria provided, multiple submitters, no conflicts (2 of 4 stars). 10 submissions from 10 submitters: Benign (4); Likely benign (5). 1 of the submissions does not count toward it. Last evaluated 2026-02-01.

Conditions:
POLD1-related polyposis and colorectal cancer syndrome (CRCS10). Also called: Colorectal cancer 10; COLORECTAL CANCER, SUSCEPTIBILITY TO, ON CHROMOSOME 19q; Colorectal cancer, susceptibility to, 10. Identifiers: Orphanet 220460, MedGen C2675481, MONDO:0012953, OMIM 612591.
POLD1-related disorder. Also called: POLD1-related condition; POLD1-related disorders.
Hereditary cancer-predisposing syndrome. Also called: Tumor predisposition; Hereditary Cancer Syndrome; Neoplastic Syndromes, Hereditary; Hereditary neoplastic syndrome. Identifiers: Orphanet 140162, MedGen C0027672, MeSH D009386, MONDO:0015356.

Allele frequency attached by ClinVar (database versions not stated): TOPMed 0.00025; ESP Exome Variant Server 0.00039; 1000 Genomes Project 30x 0.00078; 1000 Genomes Project 0.00100; gnomAD 0.00133 and 0.00140; ExAC 0.00149.
gnomAD v4.1: 1,249 of 1,612,576 alleles (0.077%); highest among the groups gnomAD compares: African/African-American, 0.065%; 13 homozygotes.

Submissions (11):

CeGaT Center for Human Genetics Tuebingen
Classification: Likely benign. Last evaluated: 2026-02-01. Review status: criteria provided, single submitter. Criteria: CeGaT Center For Human Genetics Tuebingen Variant Classification Criteria Version 2. Collection method: clinical testing. Allele origin: germline. Affected: yes. Observed: 1 variant allele.
Comment: POLD1: BP4, BP7

Labcorp Genetics (formerly Invitae), Labcorp
Classification: Benign for POLD1-related polyposis and colorectal cancer syndrome. Last evaluated: 2026-01-26. Review status: criteria provided, single submitter. Criteria: Invitae Variant Classification Sherloc (09022015). Collection method: clinical testing. Allele origin: germline.

Center for Genomic Medicine, Rigshospitalet, Copenhagen University Hospital
Classification: Likely benign. Last evaluated: 2025-03-04. Review status: criteria provided, single submitter. Criteria: ACMG Guidelines, 2015. Collection method: clinical testing. Allele origin: germline.

Blueprint Genetics
Classification: Likely benign. Last evaluated: 2024-11-22. Review status: criteria provided, single submitter. Criteria: ACMG Guidelines, 2015. Collection method: clinical testing. Allele origin: germline.

Women's Health and Genetics/Laboratory Corporation of America, LabCorp
Classification: Benign. Last evaluated: 2022-09-12. Review status: criteria provided, single submitter. Criteria: LabCorp Variant Classification Summary - May 2015. Collection method: clinical testing. Allele origin: germline.

GeneDx
Classification: Benign. Last evaluated: 2019-07-03. Review status: criteria provided, single submitter. Criteria: GeneDx Variant Classification Process June 2021. Collection method: clinical testing. Allele origin: germline. Affected: yes.

Mendelics
Classification: Likely benign for POLD1-related polyposis and colorectal cancer syndrome. Last evaluated: 2019-05-28. Review status: criteria provided, single submitter. Criteria: Mendelics Assertion Criteria 2017. Collection method: clinical testing. Allele origin: unknown.

Quest Diagnostics Nichols Institute San Juan Capistrano
Classification: Benign. Last evaluated: 2017-12-27. Review status: criteria provided, single submitter. Criteria: Quest Diagnostics criteria. Collection method: clinical testing. Allele origin: germline.

Ambry Genetics
Classification: Likely benign for Hereditary cancer-predisposing syndrome. Last evaluated: 2015-10-13. Review status: criteria provided, single submitter. Criteria: Ambry Variant Classification Scheme 2023. Collection method: clinical testing. Allele origin: germline.

PreventionGenetics, part of Exact Sciences
Classification: Benign for POLD1-related condition. Last evaluated: 2019-04-25. Review status: no assertion criteria provided. Collection method: clinical testing. Allele origin: germline. Not counted in ClinVar's aggregate classification.
Comment: This variant is classified as benign based on ACMG/AMP sequence variant interpretation guidelines (Richards et al. 2015 PMID: 25741868, with internal and published modifications).

Dr. Peter K. Rogan Lab, Western University
No classification provided (evidence only). Condition: Familial cancer of breast. Review status: no classification provided. Collection method: in vitro. Allele origin: not applicable. Functional consequence: retained intron. Not counted in ClinVar's aggregate classification.